The following is an entry in ClinVar:

ClinVar aggregate classification (germline): Uncertain significance. Review status: criteria provided, multiple submitters, no conflicts (2 of 4 stars). 2 submissions from 2 submitters: Uncertain significance (2). Last evaluated 2025-09-08.

Conditions:
Hereditary cancer-predisposing syndrome. Also called: Hereditary Cancer Syndrome; Hereditary neoplastic syndrome; Neoplastic Syndromes, Hereditary; Tumor predisposition. Identifiers: Orphanet 140162, MedGen C0027672, MeSH D009386, MONDO:0015356.
Mitochondrial complex II deficiency, nuclear type 1. Also called: SUCCINATE CoQ REDUCTASE DEFICIENCY. Identifiers: Orphanet 3208, MedGen C5700310, MONDO:0100294, OMIM 252011.
Pheochromocytoma/paraganglioma syndrome 5. Also called: Paragangliomas 5; SDHA-Related Hereditary Paraganglioma-Pheochromocytoma Syndrome. Identifiers: Orphanet 29072, MedGen C3279992, MONDO:0013602, OMIM 614165.

Submissions (2):

Ambry Genetics
Classification: Uncertain significance for Hereditary cancer-predisposing syndrome. Last evaluated: 2025-09-08. Review status: criteria provided, single submitter. Criteria: Ambry Variant Classification Scheme 2023. Collection method: clinical testing. Allele origin: germline.
Comment: The c.1260G>A variant (also known as p.Q420Q) is located in coding exon 9 of the SDHA gene. This variant results from a G to A substitution at nucleotide position 1260. This nucleotide substitution does not change the glutamine at codon 420. However, this change occurs in the last base pair of coding exon 9, which makes it likely to have some effect on normal mRNA splicing. This nucleotide position is highly conserved in available vertebrate species. In silico splice site analysis predicts that this alteration will weaken the native splice donor site and may result in the creation or strengthening of a novel splice donor site. RNA studies have demonstrated that this alteration results in an incomplete splice defect; the clinical impact of this abnormal splicing is unknown at this time (Ambry internal data). Based on the available evidence, the clinical significance of this variant remains unclear.

Labcorp Genetics (formerly Invitae), Labcorp
Classification: Uncertain significance for Pheochromocytoma/paraganglioma syndrome 5; Mitochondrial complex II deficiency, nuclear type 1. Last evaluated: 2023-12-05. Review status: criteria provided, single submitter. Criteria: Invitae Variant Classification Sherloc (09022015). Collection method: clinical testing. Allele origin: germline.
Comment: This sequence change affects codon 420 of the SDHA mRNA. It is a 'silent' change, meaning that it does not change the encoded amino acid sequence of the SDHA protein. This variant also falls at the last nucleotide of exon 9, which is part of the consensus splice site for this exon. This variant is not present in population databases (gnomAD no frequency). This variant has not been reported in the literature in individuals affected with SDHA-related conditions. ClinVar contains an entry for this variant (Variation ID: 1763062). Variants that disrupt the consensus splice site are a relatively common cause of aberrant splicing (PMID: 17576681, 9536098). Algorithms developed to predict the effect of sequence changes on RNA splicing suggest that this variant may disrupt the consensus splice site. In summary, the available evidence is currently insufficient to determine the role of this variant in disease. Therefore, it has been classified as a Variant of Uncertain Significance.

Literature cited by the submitters: PubMed 17576681 (cited by Labcorp Genetics (formerly Invitae), Labcorp); PubMed 9536098 (cited by Labcorp Genetics (formerly Invitae), Labcorp).

NM_004168.4(SDHA):c.1260G>A (p.Gln420=)

Gene: SDHA (succinate dehydrogenase complex flavoprotein subunit A; plus strand). Cytogenetic location: 5p15.33.
Variant type: single nucleotide variant.
Coding change: c.1260G>A on transcript NM_004168.4 (MANE Select); coding-DNA position 1260, G replaced by A.
Protein change: p.Gln420=; no amino-acid change (glutamine 420 retained).
Molecular consequence: synonymous variant.
Genome position (GRCh38, 1-based): chr5:235,339, G>A. VCF-style: chr5-235339-G-A. GRCh37 (hg19) VCF-style: chr5-235454-G-A.
Other names: c.1116G>A, p.Gln372= (NM_001294332.2); c.1260G>A, p.Gln420= (NM_001330758.2).
Identifiers: ClinVar variation 1763062 (VCV001763062.8), dbSNP rs2477365558, ClinGen allele CA442692043.
Genomic context (GRCh38, chr5:235,339, plus strand): 5'-CCCTGTCCTCCCCACCGTGCATTATAACATGGGCGGCATTCCCACCAACTACAAGGGGCA[G>A]GTGATGGTGCTGGCTCCTCCCCCACAGCTGGAAAGAAGGCTGGGACGACGGGGCCCACCT-3'
Protein context (NP_004159.2, residues 410-430): MGGIPTNYKG[Gln420=]VLRHVNGQDQ